The following is an entry in ClinVar:

NM_001042750.2(STAG2):c.1535-2dup

Gene: STAG2 (STAG2 cohesin complex component; plus strand). Cytogenetic location: Xq25.
Variant type: Duplication.
Coding change: c.1535-2dup on transcript NM_001042750.2 (MANE Select); the canonical splice acceptor site of the intron before coding-DNA position 1535, one base duplicated (A; older notation c.1535-2dupA).
Molecular consequence: splice acceptor variant.
Genome position (GRCh38, 1-based): chrX:124,061,769, A duplicated. VCF-style (leftmost placement, unchanged base first): chrX-124061768-T-TA. GRCh37 (hg19) VCF-style: chrX-123195618-T-TA.
Other names: c.1535-2dup (NM_001042749.2, NM_001375366.1, NM_001375373.1 and 13 more transcripts); c.1535-2dupA (NM_001042749.2).
Identifiers: ClinVar variation 741336 (VCV000741336.12), dbSNP rs759364343, ClinGen allele CA10508829.

ClinVar aggregate classification (germline): Benign/Likely benign. Review status: criteria provided, multiple submitters, no conflicts (2 of 4 stars). 3 submissions from 3 submitters: Benign (1); Likely benign (1). 1 of the submissions does not count toward it. Last evaluated 2026-02-02.

Conditions:
STAG2-related disorder. Also called: STAG2-Related Disorders.

Allele frequency attached by ClinVar (database versions not stated): gnomAD exomes 0.00056 and 0.00067; 1000 Genomes Project 30x 0.00062; gnomAD 0.00293 and 0.00297; ExAC 0.00304; ESP Exome Variant Server 0.00412.

Submissions (3):

Labcorp Genetics (formerly Invitae), Labcorp
Classification: Benign. Last evaluated: 2026-02-02. Review status: criteria provided, single submitter. Criteria: Invitae Variant Classification Sherloc (09022015). Collection method: clinical testing. Allele origin: germline.

Blueprint Genetics
Classification: Likely benign. Last evaluated: 2024-11-12. Review status: criteria provided, single submitter. Criteria: ACMG Guidelines, 2015. Collection method: clinical testing. Allele origin: germline.

PreventionGenetics, part of Exact Sciences
Classification: Likely benign for STAG2-related condition. Last evaluated: 2021-04-02. Review status: no assertion criteria provided. Collection method: clinical testing. Allele origin: germline. Not counted in ClinVar's aggregate classification.
Comment: This variant is classified as likely benign based on ACMG/AMP sequence variant interpretation guidelines (Richards et al. 2015 PMID: 25741868, with internal and published modifications).